The following is an entry in ClinVar:

ClinVar aggregate classification (germline): Uncertain significance (1 of 4 stars; one submission).

Conditions:
KBG syndrome (KBGS). Also called: ANKRD11-Related KBG Syndrome. Identifiers: Orphanet 2332, MedGen C0220687, MONDO:0007846, OMIM 148050.

gnomAD v4.1: 35 of 1,614,194 alleles (0.0022%); highest among the groups gnomAD compares: African/African-American, 0.0053%; no homozygotes.

Submission:

Labcorp Genetics (formerly Invitae), Labcorp
Classification: Uncertain significance for KBG syndrome. Last evaluated: 2022-07-02. Review status: criteria provided, single submitter. Criteria: Invitae Variant Classification Sherloc (09022015). Collection method: clinical testing. Allele origin: germline.
Comment: In summary, the available evidence is currently insufficient to determine the role of this variant in disease. Therefore, it has been classified as a Variant of Uncertain Significance. Advanced modeling of protein sequence and biophysical properties (such as structural, functional, and spatial information, amino acid conservation, physicochemical variation, residue mobility, and thermodynamic stability) performed at Invitae indicates that this missense variant is not expected to disrupt ANKRD11 protein function. This variant has not been reported in the literature in individuals affected with ANKRD11-related conditions. This variant is present in population databases (no rsID available, gnomAD 0.004%). This sequence change replaces isoleucine, which is neutral and non-polar, with valine, which is neutral and non-polar, at codon 1660 of the ANKRD11 protein (p.Ile1660Val).

NM_013275.6(ANKRD11):c.4978A>G (p.Ile1660Val)

Gene: ANKRD11 (ankyrin repeat domain 11; minus strand). Cytogenetic location: 16q24.3.
Variant type: single nucleotide variant.
Coding change: c.4978A>G on transcript NM_013275.6 (MANE Select); coding-DNA position 4978, A replaced by G.
Protein change: p.Ile1660Val; replaces isoleucine 1660 with valine.
Molecular consequence: missense variant.
Genome position (GRCh38, 1-based): chr16:89,281,564, T>C on the plus strand (A>G on the coding strand, the complement: ANKRD11 is on the minus strand). VCF-style: chr16-89281564-T-C. GRCh37 (hg19) VCF-style: chr16-89347972-T-C.
Other names: c.4978A>G, p.Ile1660Val (NM_001256182.2, NM_001256183.2); short protein forms I1660V.
Identifiers: ClinVar variation 2053646 (VCV002053646.4), dbSNP rs750932626, ClinGen allele CA286515102.